The following is an entry in ClinVar:

NM_130837.3(OPA1):c.100C>T (p.His34Tyr)

Gene: OPA1 (OPA1 mitochondrial dynamin like GTPase; plus strand). Cytogenetic location: 3q29.
Variant type: single nucleotide variant.
Coding change: c.100C>T on transcript NM_130837.3 (MANE Select); coding-DNA position 100, C replaced by T.
Protein change: p.His34Tyr; replaces histidine 34 with tyrosine.
Molecular consequence: missense variant. On other transcripts: 5 prime UTR variant (2).
Genome position (GRCh38, 1-based): chr3:193,614,790, C>T. VCF-style: chr3-193614790-C-T. GRCh37 (hg19) VCF-style: chr3-193332579-C-T.
Other names: c.-273C>T (NM_001354663.2, NM_001354664.2); c.100C>T, p.His34Tyr (NM_015560.3, NM_130831.3, NM_130832.3 and 4 more transcripts); short protein forms H34Y.
Identifiers: ClinVar variation 4680866 (VCV004680866.1).
Genomic context (GRCh38, chr3:193,614,790, plus strand): 5'-TGCCAGTCTTTAGTGAAACACAGCTCTGGAATAAAAGGAAGTTTACCACTACAAAAACTA[C>T]ATCTGGTTTCACGAAGCATTTATCATTCACATCATCCTACCTTAAAGCTTCAACGACCCC-3'
Protein context (NP_570850.2, residues 24-44): IKGSLPLQKL[His34Tyr]LVSRSIYHSH

ClinVar aggregate classification (germline): Uncertain significance (1 of 4 stars; one submission).

gnomAD v4.1: 12 of 1,613,798 alleles (0.00074%); highest among the groups gnomAD compares: African/African-American, 0.0013%; no homozygotes.

Submission:

GeneDx
Classification: Uncertain significance. Last evaluated: 2025-06-30. Review status: criteria provided, single submitter. Criteria: GeneDx Variant Classification Process June 2021. Collection method: clinical testing. Allele origin: germline. Affected: yes.
Comment: Reported as a variant identified in the ExAC database in published literature (PMID: 26867657); Not observed at significant frequency in large population cohorts (gnomAD); In silico analysis suggests that this missense variant does not alter protein structure/function; This variant is associated with the following publications: (PMID: 26867657)